The following is an entry in ClinVar:

NM_013266.4(CTNNA3):c.213C>G (p.Asp71Glu)

Gene: CTNNA3 (catenin alpha 3; minus strand). Cytogenetic location: 10q21.3.
Variant type: single nucleotide variant.
Coding change: c.213C>G on transcript NM_013266.4 (MANE Select); coding-DNA position 213, C replaced by G.
Protein change: p.Asp71Glu; replaces aspartic acid 71 with glutamic acid.
Molecular consequence: missense variant.
Genome position (GRCh38, 1-based): chr10:67,606,936, G>C on the plus strand (C>G on the coding strand, the complement: CTNNA3 is on the minus strand). VCF-style: chr10-67606936-G-C. GRCh37 (hg19) VCF-style: chr10-69366694-G-C.
Other names: c.213C>G, p.Asp71Glu (NM_001127384.3); c.249C>G, p.Asp83Glu (NM_001291133.2); short protein forms D71E, D83E.
Identifiers: ClinVar variation 240868 (VCV000240868.14), dbSNP rs771791661, ClinGen allele CA5520680.

ClinVar aggregate classification (germline): Uncertain significance. Review status: criteria provided, multiple submitters, no conflicts (2 of 4 stars). 2 submissions from 2 submitters: Uncertain significance (2). Last evaluated 2024-12-28.

Conditions:
Arrhythmogenic right ventricular dysplasia 13. Also called: ARRHYTHMOGENIC RIGHT VENTRICULAR CARDIOMYOPATHY 13; Arrhythmogenic right ventricular dysplasia, familial, 13. Identifiers: MedGen C3810138, MONDO:0000908, OMIM 615616.

Allele frequency attached by ClinVar (database versions not stated): TOPMed 0.00003; gnomAD 0.00002; ExAC 0.00001.
gnomAD v4.1: 109 of 1,613,888 alleles (0.0068%); highest among the groups gnomAD compares: Non-Finnish European, 0.0092%; no homozygotes.

Submissions (2):

Ambry Genetics
Classification: Uncertain significance. Last evaluated: 2024-12-28. Review status: criteria provided, single submitter. Criteria: Ambry Variant Classification Scheme 2023. Collection method: clinical testing. Allele origin: germline.
Comment: The p.D71E variant (also known as c.213C>G), located in coding exon 2 of the CTNNA3 gene, results from a C to G substitution at nucleotide position 213. The aspartic acid at codon 71 is replaced by glutamic acid, an amino acid with highly similar properties. This amino acid position is conserved. In addition, this alteration is predicted to be tolerated by in silico analysis. Since supporting evidence is limited at this time, the clinical significance of this alteration remains unclear.

Labcorp Genetics (formerly Invitae), Labcorp
Classification: Uncertain significance for Arrhythmogenic right ventricular dysplasia 13. Last evaluated: 2023-12-13. Review status: criteria provided, single submitter. Criteria: Invitae Variant Classification Sherloc (09022015). Collection method: clinical testing. Allele origin: germline.
Comment: This sequence change replaces aspartic acid, which is acidic and polar, with glutamic acid, which is acidic and polar, at codon 71 of the CTNNA3 protein (p.Asp71Glu). This variant is present in population databases (rs771791661, gnomAD 0.004%). This variant has not been reported in the literature in individuals affected with CTNNA3-related conditions. ClinVar contains an entry for this variant (Variation ID: 240868). Advanced modeling of protein sequence and biophysical properties (such as structural, functional, and spatial information, amino acid conservation, physicochemical variation, residue mobility, and thermodynamic stability) performed at Invitae indicates that this missense variant is not expected to disrupt CTNNA3 protein function with a negative predictive value of 80%. In summary, the available evidence is currently insufficient to determine the role of this variant in disease. Therefore, it has been classified as a Variant of Uncertain Significance.